The following is an entry in ClinVar:

ClinVar aggregate classification (germline): Pathogenic. Review status: criteria provided, multiple submitters, no conflicts (2 of 4 stars). 7 submissions from 7 submitters: Pathogenic (6). 1 of the submissions does not count toward it. Last evaluated 2026-08-24.

Conditions:
RBP3-related disorder. Also called: RBP3-related condition.
Retinitis pigmentosa 66 (RP66). Identifiers: Orphanet 791, MedGen C3715216, MONDO:0014093, OMIM 615233.
Autosomal recessive retinitis pigmentosa. Identifiers: MedGen C0339526.

Allele frequency attached by ClinVar (database versions not stated): gnomAD exomes 0.00001; ExAC 0.00002.
gnomAD v4.1: 9 of 1,612,296 alleles (0.00056%); highest among the groups gnomAD compares: Non-Finnish European, 0.00034%; no homozygotes.

Submissions (7):

GeneDx
Classification: Pathogenic. Last evaluated: 2026-08-24. Review status: criteria provided, single submitter. Criteria: GeneDx Variant Classification Process June 2021. Collection method: clinical testing. Allele origin: germline.
Comment: Nonsense variant predicted to result in protein truncation or nonsense mediated decay in a gene for which loss of function is a known mechanism of disease; This variant is associated with the following publications: (PMID: 23105016, 34906470, 31964843)

Institute of Medical Genetics and Applied Genomics, University Hospital Tübingen
Classification: Pathogenic for Retinitis pigmentosa 66. Last evaluated: 2026-07-15. Review status: criteria provided, single submitter. Criteria: ACMG Guidelines, 2015. Collection method: clinical testing. Allele origin: germline. Inheritance: Autosomal recessive inheritance. Affected: yes.

Genomic Medicine Center of Excellence, King Faisal Specialist Hospital and Research Centre
Classification: Pathogenic for Retinitis pigmentosa 66. Last evaluated: 2024-12-04. Review status: criteria provided, single submitter. Criteria: ACMG Guidelines, 2015. Collection method: clinical testing. Allele origin: germline.

Labcorp Genetics (formerly Invitae), Labcorp
Classification: Pathogenic. Last evaluated: 2023-07-19. Review status: criteria provided, single submitter. Criteria: Invitae Variant Classification Sherloc (09022015). Collection method: clinical testing. Allele origin: germline.
Comment: This premature translational stop signal has been observed in individual(s) with retinitis pigmentosa (PMID: 23105016). For these reasons, this variant has been classified as Pathogenic. ClinVar contains an entry for this variant (Variation ID: 978973). This variant is present in population databases (rs782245537, gnomAD 0.009%). This sequence change creates a premature translational stop signal (p.Arg388*) in the RBP3 gene. It is expected to result in an absent or disrupted protein product. Loss-of-function variants in RBP3 are known to be pathogenic (PMID: 9614228, 23105016, 25766589).

Ocular Genomics Institute, Massachusetts Eye and Ear
Classification: Pathogenic for Retinitis pigmentosa 66. Last evaluated: 2021-04-08. Review status: criteria provided, single submitter. Criteria: ACMG Guidelines, 2015. Collection method: research. Allele origin: germline. Affected: yes.
Comment: Through a review of available evidence we were able to apply the following criteria: PM2, PVS1, PM3. Based on this evidence we have classified this variant as Pathogenic.

Blueprint Genetics
Classification: Pathogenic for RBP3-related disorders. Last evaluated: 2018-01-15. Review status: criteria provided, single submitter. Criteria: ACMG Guidelines, 2015. Collection method: clinical testing. Allele origin: germline. Affected: yes. Observed: 2 variant alleles.

Faculty of Health Sciences, Beirut Arab University
Classification: Pathogenic for Autosomal recessive Retinitis Pigmentosa. Last evaluated: 2012-10-26. Review status: no assertion criteria provided. Collection method: literature only. Allele origin: germline. Affected: yes. Observed: 1 variant allele. Not counted in ClinVar's aggregate classification.

Literature cited by the submitters: PubMed 23105016 (cited by Labcorp Genetics (formerly Invitae), Labcorp and Faculty of Health Sciences, Beirut Arab University); PubMed 9614228 (cited by Labcorp Genetics (formerly Invitae), Labcorp); PubMed 25766589 (cited by Labcorp Genetics (formerly Invitae), Labcorp).

NM_002900.3(RBP3):c.1162C>T (p.Arg388Ter)

Gene: RBP3 (retinol binding protein 3; plus strand). Cytogenetic location: 10q11.22.
Variant type: single nucleotide variant.
Coding change: c.1162C>T on transcript NM_002900.3 (MANE Select); coding-DNA position 1162, C replaced by T.
Protein change: p.Arg388Ter; replaces arginine 388 with a stop codon.
Molecular consequence: nonsense.
Genome position (GRCh38, 1-based): chr10:47,349,646, C>T. VCF-style: chr10-47349646-C-T. GRCh37 (hg19) VCF-style: chr10-48389716-G-A.
Other names: short protein forms R388*.
Identifiers: ClinVar variation 978973 (VCV000978973.11), dbSNP rs782245537, ClinGen allele CA5487594.
Genomic context (GRCh38, chr10:47,349,646, plus strand): 5'-CTGGTCACCAAGCTCAATGCCGGCCTGCAGGCTGCGTCTGAGGATCCCAGGCTCCTGGTG[C>T]GAGCCATCGGGCCCACAGAAACTCCTTCTTGGCCCGCGCCCGACGCTGCAGCCGAAGACT-3'